The following is an entry in ClinVar:

ClinVar aggregate classification (germline): Pathogenic/Likely pathogenic. Review status: criteria provided, multiple submitters, no conflicts (2 of 4 stars). 2 submissions from 2 submitters: Pathogenic (1); Likely pathogenic (1). Last evaluated 2024-03-15.

Allele frequency attached by ClinVar (database versions not stated): gnomAD exomes below 0.00001.

Submissions (2):

Revvity Omics, Revvity
Classification: Likely pathogenic. Last evaluated: 2024-03-15. Review status: criteria provided, single submitter. Criteria: ACMG Guidelines, 2015. Collection method: clinical testing. Allele origin: germline.

Labcorp Genetics (formerly Invitae), Labcorp
Classification: Pathogenic. Last evaluated: 2024-01-17. Review status: criteria provided, single submitter. Criteria: Invitae Variant Classification Sherloc (09022015). Collection method: clinical testing. Allele origin: germline.
Comment: This sequence change creates a premature translational stop signal (p.Gln64*) in the TSEN54 gene. It is expected to result in an absent or disrupted protein product. Loss-of-function variants in TSEN54 are known to be pathogenic (PMID: 18711368, 20952379). This variant is not present in population databases (gnomAD no frequency). This variant has not been reported in the literature in individuals affected with TSEN54-related conditions. For these reasons, this variant has been classified as Pathogenic.

Literature cited by the submitters: PubMed 18711368 (cited by Labcorp Genetics (formerly Invitae), Labcorp); PubMed 20952379 (cited by Labcorp Genetics (formerly Invitae), Labcorp).

NM_207346.3(TSEN54):c.190C>T (p.Gln64Ter)

Gene: TSEN54 (tRNA splicing endonuclease subunit 54; plus strand). Cytogenetic location: 17q25.1.
Variant type: single nucleotide variant.
Coding change: c.190C>T on transcript NM_207346.3 (MANE Select); coding-DNA position 190, C replaced by T.
Protein change: p.Gln64Ter; replaces glutamine 64 with a stop codon.
Molecular consequence: nonsense.
Genome position (GRCh38, 1-based): chr17:75,516,879, C>T. VCF-style: chr17-75516879-C-T. GRCh37 (hg19) VCF-style: chr17-73512960-C-T.
Other names: short protein forms Q64*.
Identifiers: ClinVar variation 2709867 (VCV002709867.4), dbSNP rs2053374114, ClinGen allele CA401027178.